The following is an entry in ClinVar:

NM_007215.4(POLG2):c.128A>C (p.His43Pro)

Genes: MILR1 (mast cell immunoglobulin like receptor 1; plus strand), POLG2 (DNA polymerase gamma 2, accessory subunit; minus strand). Cytogenetic location: 17q23.3.
Variant type: single nucleotide variant.
Coding change: c.128A>C on transcript NM_007215.4 (MANE Select); coding-DNA position 128, A replaced by C.
Protein change: p.His43Pro; replaces histidine 43 with proline.
Molecular consequence: missense variant.
Genome position (GRCh38, 1-based): chr17:64,496,841, T>G on the plus strand (A>C on the coding strand, the complement: POLG2 is on the minus strand). VCF-style: chr17-64496841-T-G. GRCh37 (hg19) VCF-style: chr17-62492959-T-G.
Other names: short protein forms H43P.
Identifiers: ClinVar variation 2968021 (VCV002968021.3), dbSNP rs2509561460, ClinGen allele CA400641591.

ClinVar aggregate classification (germline): Uncertain significance (1 of 4 stars; one submission).

Submission:

Labcorp Genetics (formerly Invitae), Labcorp
Classification: Uncertain significance. Last evaluated: 2023-09-03. Review status: criteria provided, single submitter. Criteria: Invitae Variant Classification Sherloc (09022015). Collection method: clinical testing. Allele origin: germline.
Comment: This sequence change replaces histidine, which is basic and polar, with proline, which is neutral and non-polar, at codon 43 of the POLG2 protein (p.His43Pro). This variant is not present in population databases (gnomAD no frequency). This variant has not been reported in the literature in individuals affected with POLG2-related conditions. Algorithms developed to predict the effect of missense changes on protein structure and function output the following: SIFT: "Not Available"; PolyPhen-2: "Benign"; Align-GVGD: "Not Available". The proline amino acid residue is found in multiple mammalian species, which suggests that this missense change does not adversely affect protein function. In summary, the available evidence is currently insufficient to determine the role of this variant in disease. Therefore, it has been classified as a Variant of Uncertain Significance.